The following is an entry in ClinVar:

ClinVar aggregate classification (germline): Likely benign (1 of 4 stars; one submission).

gnomAD v4.1: 40 of 1,613,918 alleles (0.0025%); highest among the groups gnomAD compares: African/African-American, 0.011%; no homozygotes.

Submission:

CeGaT Center for Human Genetics Tuebingen
Classification: Likely benign. Last evaluated: 2026-09-01. Review status: criteria provided, single submitter. Criteria: CeGaT Center For Human Genetics Tuebingen Variant Classification Criteria Version 2. Collection method: clinical testing. Allele origin: germline. Affected: yes. Observed: 1 variant allele.
Comment: PSKH1: BP4, BP7

NM_006742.3(PSKH1):c.888G>A (p.Pro296=)

Gene: PSKH1 (protein serine kinase H1; plus strand). Cytogenetic location: 16q22.1.
Variant type: single nucleotide variant.
Coding change: c.888G>A on transcript NM_006742.3 (MANE Select); coding-DNA position 888, G replaced by A.
Protein change: p.Pro296=; no amino-acid change (proline 296 retained).
Molecular consequence: synonymous variant.
Genome position (GRCh38, 1-based): chr16:67,909,637, G>A. VCF-style: chr16-67909637-G-A. GRCh37 (hg19) VCF-style: chr16-67943540-G-A.
Identifiers: ClinVar variation 5041113 (VCV005041113.1).